The following is an entry in ClinVar:

NM_001145358.2(SIN3A):c.3395G>A (p.Arg1132Gln)

Gene: SIN3A (SIN3 transcription regulator family member A; minus strand). Cytogenetic location: 15q24.2.
Variant type: single nucleotide variant.
Coding change: c.3395G>A on transcript NM_001145358.2 (MANE Select); coding-DNA position 3395, G replaced by A.
Protein change: p.Arg1132Gln; replaces arginine 1132 with glutamine.
Molecular consequence: missense variant.
Genome position (GRCh38, 1-based): chr15:75,375,861, C>T on the plus strand (G>A on the coding strand, the complement: SIN3A is on the minus strand). VCF-style: chr15-75375861-C-T. GRCh37 (hg19) VCF-style: chr15-75668202-C-T.
Other names: c.3395G>A, p.Arg1132Gln (NM_015477.3, NM_001145357.2); short protein forms R1132Q.
Identifiers: ClinVar variation 2889401 (VCV002889401.7), dbSNP rs556160377, ClinGen allele CA7667241.
Genomic context (GRCh38, chr15:75,375,861, plus strand): 5'-CTGTTTCCTTCCTTCCCTTCCTTTTCCTGCTGCTCTCGACCACGTTGACACTTCCGGATC[C>T]GCCGTAGATTCCTATTGCAGAAAAGCCCCGGAGGATGAGAGCTCGTCCAGATGCAGATTC-3'
Protein context (NP_001138830.1, residues 1122-1142): KPVFLPRNLR[Arg1132Gln]IRKCQRGREQ

ClinVar aggregate classification (germline): Uncertain significance. Review status: criteria provided, multiple submitters, no conflicts (2 of 4 stars). 2 submissions from 2 submitters: Uncertain significance (2). Last evaluated 2026-03-01.

Allele frequency attached by ClinVar (database versions not stated): gnomAD exomes 0.00001; ExAC 0.00002; TOPMed 0.00002; gnomAD 0.00004; 1000 Genomes Project 30x 0.00031; 1000 Genomes Project 0.00040.
gnomAD v4.1: 29 of 1,614,016 alleles (0.0018%); highest among the groups gnomAD compares: South Asian, 0.02%; no homozygotes.

Submissions (2):

CeGaT Center for Human Genetics Tuebingen
Classification: Uncertain significance. Last evaluated: 2026-03-01. Review status: criteria provided, single submitter. Criteria: CeGaT Center For Human Genetics Tuebingen Variant Classification Criteria Version 2. Collection method: clinical testing. Allele origin: germline. Affected: yes. Observed: 1 variant allele.

Labcorp Genetics (formerly Invitae), Labcorp
Classification: Uncertain significance. Last evaluated: 2025-07-31. Review status: criteria provided, single submitter. Criteria: Invitae Variant Classification Sherloc (09022015). Collection method: clinical testing. Allele origin: germline.
Comment: This sequence change replaces arginine, which is basic and polar, with glutamine, which is neutral and polar, at codon 1132 of the SIN3A protein (p.Arg1132Gln). This variant is present in population databases (rs556160377, gnomAD 0.02%). This variant has not been reported in the literature in individuals affected with SIN3A-related conditions. ClinVar contains an entry for this variant (Variation ID: 2889401). Invitae Evidence Modeling of protein sequence and biophysical properties (such as structural, functional, and spatial information, amino acid conservation, physicochemical variation, residue mobility, and thermodynamic stability) indicates that this missense variant is not expected to disrupt SIN3A protein function with a negative predictive value of 80%. In summary, the available evidence is currently insufficient to determine the role of this variant in disease. Therefore, it has been classified as a Variant of Uncertain Significance.